The following is an entry in ClinVar:

NM_019066.5(MAGEL2):c.264G>A (p.Pro88=)

Gene: MAGEL2 (MAGE family member L2; minus strand). Cytogenetic location: 15q11.2.
Variant type: single nucleotide variant.
Coding change: c.264G>A on transcript NM_019066.5 (MANE Select); coding-DNA position 264, G replaced by A.
Protein change: p.Pro88=; no amino-acid change (proline 88 retained).
Molecular consequence: synonymous variant.
Genome position (GRCh38, 1-based): chr15:23,647,479, C>T on the plus strand (G>A on the coding strand, the complement: MAGEL2 is on the minus strand). VCF-style: chr15-23647479-C-T. GRCh37 (hg19) VCF-style: chr15-23892626-C-T.
Identifiers: ClinVar variation 2797864 (VCV002797864.3), dbSNP rs2503985172, ClinGen allele CA2627294834.

ClinVar aggregate classification (germline): Uncertain significance (1 of 4 stars; one submission).

Allele frequency attached by ClinVar (database versions not stated): gnomAD exomes 0.00001.
gnomAD v4.1: 3 of 1,533,128 alleles (0.0002%); highest among the groups gnomAD compares: Middle Eastern, 0.017%; no homozygotes.

Submission:

Labcorp Genetics (formerly Invitae), Labcorp
Classification: Uncertain significance. Last evaluated: 2024-04-22. Review status: criteria provided, single submitter. Criteria: Invitae Variant Classification Sherloc (09022015). Collection method: clinical testing. Allele origin: germline.
Comment: This sequence change affects codon 88 of the MAGEL2 mRNA. It is a 'silent' change, meaning that it does not change the encoded amino acid sequence of the MAGEL2 protein. This variant is not present in population databases (gnomAD no frequency). This variant has not been reported in the literature in individuals affected with MAGEL2-related conditions. Experimental studies and prediction algorithms are not available or were not evaluated, and the effect of this variant on mRNA splicing is currently unknown. In summary, the available evidence is currently insufficient to determine the role of this variant in disease. Therefore, it has been classified as a Variant of Uncertain Significance.